The following is an entry in ClinVar:

ClinVar aggregate classification (germline): Benign/Likely benign. Review status: criteria provided, multiple submitters, no conflicts (2 of 4 stars). 5 submissions from 5 submitters: Benign (3); Likely benign (2). Last evaluated 2026-05-13.

Allele frequency attached by ClinVar (database versions not stated): gnomAD exomes 0.00036 and 0.00097; ExAC 0.00175; 1000 Genomes Project 0.00300; 1000 Genomes Project 30x 0.00375; gnomAD 0.00395 and 0.00432; ESP Exome Variant Server 0.00454; TOPMed 0.00456.
gnomAD v4.1: 1,150 of 1,601,088 alleles (0.072%); highest among the groups gnomAD compares: African/African-American, 1.4%; 6 homozygotes.

Submissions (5):

Women's Health and Genetics/Laboratory Corporation of America, LabCorp
Classification: Likely benign. Last evaluated: 2026-05-13. Review status: criteria provided, single submitter. Criteria: LabCorp Variant Classification Summary - May 2015. Collection method: clinical testing. Allele origin: germline.

Labcorp Genetics (formerly Invitae), Labcorp
Classification: Benign. Last evaluated: 2026-02-03. Review status: criteria provided, single submitter. Criteria: Invitae Variant Classification Sherloc (09022015). Collection method: clinical testing. Allele origin: germline.

ARUP Laboratories, Molecular Genetics and Genomics, ARUP Laboratories
Classification: Benign. Last evaluated: 2024-09-30. Review status: criteria provided, single submitter. Criteria: ARUP Molecular Germline Variant Investigation Process 2024. Collection method: clinical testing. Allele origin: germline.

Blueprint Genetics
Classification: Likely benign. Last evaluated: 2024-03-19. Review status: criteria provided, single submitter. Criteria: ACMG Guidelines, 2015. Collection method: clinical testing. Allele origin: germline.

GeneDx
Classification: Benign. Last evaluated: 2016-12-05. Review status: criteria provided, single submitter. Criteria: GeneDx Variant Classification (06012015). Collection method: clinical testing. Allele origin: germline. Affected: yes.
Comment: This variant is considered likely benign or benign based on one or more of the following criteria: it is a conservative change, it occurs at a poorly conserved position in the protein, it is predicted to be benign by multiple in silico algorithms, and/or has population frequency not consistent with disease.

NM_001844.5(COL2A1):c.1221+20G>C

Gene: COL2A1 (collagen type II alpha 1 chain; minus strand). Cytogenetic location: 12q13.11.
Variant type: single nucleotide variant.
Coding change: c.1221+20G>C on transcript NM_001844.5 (MANE Select); 20 bases into the intron after coding-DNA position 1221, G replaced by C.
Molecular consequence: intron variant.
Genome position (GRCh38, 1-based): chr12:47,987,591, C>G on the plus strand (G>C on the coding strand, the complement: COL2A1 is on the minus strand). VCF-style: chr12-47987591-C-G. GRCh37 (hg19) VCF-style: chr12-48381374-C-G.
Other names: c.1014+20G>C (NM_033150.3).
Identifiers: ClinVar variation 380467 (VCV000380467.14), dbSNP rs41317913, ClinGen allele CA6535577.